The following is an entry in ClinVar:

ClinVar aggregate classification (germline): Benign. Review status: criteria provided, multiple submitters, no conflicts (2 of 4 stars). 3 submissions from 3 submitters: Benign (2). 1 of the submissions does not count toward it. Last evaluated 2019-12-31.

Conditions:
XIRP2-related disorder. Also called: XIRP2-related condition.

Allele frequency attached by ClinVar (database versions not stated): TOPMed 0.01328; 1000 Genomes Project 0.01338; ESP Exome Variant Server 0.01260; gnomAD exomes 0.00108 and 0.00286; gnomAD 0.01187 and 0.01274; ExAC 0.00375; 1000 Genomes Project 30x 0.01390.
gnomAD v4.1: 3,468 of 1,613,608 alleles (0.21%); highest among the groups gnomAD compares: African/African-American, 4.1%; 82 homozygotes.

Submissions (3):

Labcorp Genetics (formerly Invitae), Labcorp
Classification: Benign. Last evaluated: 2019-12-31. Review status: criteria provided, single submitter. Criteria: Invitae Variant Classification Sherloc (09022015). Collection method: clinical testing. Allele origin: germline.

Breakthrough Genomics
Classification: Benign. Review status: criteria provided, single submitter. Criteria: ACMG Guidelines, 2015. Collection method: not provided. Allele origin: germline. Inheritance: Unknown mechanism. Affected: yes.

PreventionGenetics, part of Exact Sciences
Classification: Benign for XIRP2-related condition. Last evaluated: 2019-04-01. Review status: no assertion criteria provided. Collection method: clinical testing. Allele origin: germline. Not counted in ClinVar's aggregate classification.
Comment: This variant is classified as benign based on ACMG/AMP sequence variant interpretation guidelines (Richards et al. 2015 PMID: 25741868, with internal and published modifications).

NM_152381.6(XIRP2):c.4715T>C (p.Ile1572Thr)

Gene: XIRP2 (xin actin binding repeat containing 2; plus strand). Cytogenetic location: 2q24.3.
Variant type: single nucleotide variant.
Coding change: c.4715T>C on transcript NM_152381.6 (MANE Select); coding-DNA position 4715, T replaced by C.
Protein change: p.Ile1572Thr; replaces isoleucine 1572 with threonine.
Molecular consequence: missense variant. On other transcripts: intron variant (3).
Genome position (GRCh38, 1-based): chr2:167,246,107, T>C. VCF-style: chr2-167246107-T-C. GRCh37 (hg19) VCF-style: chr2-168102617-T-C.
Other names: c.4049T>C, p.Ile1350Thr (NM_001199144.2); c.1275+4197T>C (NM_001199143.2); c.1176+4197T>C (NM_001079810.4); c.510+4197T>C (NM_001199145.2); c.4715T>C (NM_152381.5); short protein forms I1572T, I1350T.
Identifiers: ClinVar variation 780360 (VCV000780360.7), dbSNP rs7588159, ClinGen allele CA1947082.
Genomic context (GRCh38, chr2:167,246,107, plus strand): 5'-TTAAAGAAACCTTAGAAGATCTCTACTCTCAAAAAGTTATCCAGGCTCCTGGAATCATCA[T>C]TGAAGCTGATGAAATAGGGGATGTTCGAATGGCAAAATACAAGCTAATGAACCAAGCATC-3'
Protein context (NP_689594.4, residues 1562-1582): QKVIQAPGII[Ile1572Thr]EADEIGDVRM